The following is an entry in ClinVar:

NM_000016.6(ACADM):c.739A>T (p.Thr247Ser)

Gene: ACADM (acyl-CoA dehydrogenase medium chain; plus strand). Cytogenetic location: 1p31.1.
Variant type: single nucleotide variant.
Coding change: c.739A>T on transcript NM_000016.6 (MANE Select); coding-DNA position 739, A replaced by T.
Protein change: p.Thr247Ser; replaces threonine 247 with serine.
Molecular consequence: missense variant.
Genome position (GRCh38, 1-based): chr1:75,749,449, A>T. VCF-style: chr1-75749449-A-T. GRCh37 (hg19) VCF-style: chr1-76215134-A-T.
Other names: c.751A>T, p.Thr251Ser (NM_001127328.3); c.631A>T, p.Thr211Ser (NM_001286042.2); c.838A>T, p.Thr280Ser (NM_001286043.2); c.172A>T, p.Thr58Ser (NM_001286044.2); short protein forms T211S, T247S, T251S, T280S, T58S.
Identifiers: ClinVar variation 2633937 (VCV002633937.3), dbSNP rs1057518408, ClinGen allele CA340816570.
Genomic context (GRCh38, chr1:75,749,449, plus strand): 5'-TTCCTTAAAATATATCAATTTTCTTATTAGGAATTAAACATGGGCCAGCGATGTTCAGAT[A>T]CTAGAGGAATTGTCTTCGAAGATGTGAAAGTGCCTAAAGAAAATGTTTTAATTGGTGACG-3'
Protein context (NP_000007.1, residues 237-257): ELNMGQRCSD[Thr247Ser]RGIVFEDVKV

ClinVar aggregate classification (germline): Uncertain significance (0 of 4 stars; one submission).

Conditions:
ACADM-related disorder. Also called: ACADM-related condition.

Submission:

PreventionGenetics, part of Exact Sciences
Classification: Uncertain significance for ACADM-related condition. Last evaluated: 2023-12-14. Review status: no assertion criteria provided. Collection method: clinical testing. Allele origin: germline.
Comment: The ACADM c.739A>T variant is predicted to result in the amino acid substitution p.Thr247Ser. To our knowledge, this variant has not been reported in the literature or in a large population database, indicating this variant is rare. Missense variants affecting nearby residues have been reported in patients with MCAD deficiency (p.Ser245Leu, p.Arg248Gly; Zschocke et al. 2001. PubMed ID: 11409868, Jager et al. 2019. PubMed ID: 31012112, Maier et al. 2005. PubMed ID: 15832312). Although we suspect that the c.739A>T (p.Thr247Ser) variant may be pathogenic, at this time, the clinical significance of this variant is uncertain due to the absence of conclusive functional and genetic evidence.